The following is an entry in ClinVar:

ClinVar aggregate classification (germline): Uncertain significance. Review status: criteria provided, multiple submitters, no conflicts (2 of 4 stars). 9 submissions from 9 submitters: Uncertain significance (9). Last evaluated 2025-09-09.

Conditions:
Lynch syndrome. Identifiers: Orphanet 144, MedGen C4552100, MONDO:0005835. Disease mechanism: loss of function.
Hereditary nonpolyposis colorectal neoplasms. Identifiers: MedGen C0009405, MeSH D003123.
Endometrial carcinoma. Also called: Endometrial carcinoma, somatic. Identifiers: MedGen C0476089, MONDO:0002447, OMIM 608089, HP:0012114.
Hereditary cancer-predisposing syndrome. Also called: Hereditary neoplastic syndrome; Tumor predisposition; Neoplastic Syndromes, Hereditary; Hereditary Cancer Syndrome. Identifiers: Orphanet 140162, MedGen C0027672, MeSH D009386, MONDO:0015356.

Allele frequency attached by ClinVar (database versions not stated): TOPMed below 0.00001.
gnomAD v4.1: 1 of 1,611,986 alleles (0.000062%); highest among the groups gnomAD compares: Admixed American, 0.0017%; no homozygotes.

Submissions (9):

Labcorp Genetics (formerly Invitae), Labcorp
Classification: Uncertain significance for Hereditary nonpolyposis colorectal neoplasms. Last evaluated: 2025-09-09. Review status: criteria provided, single submitter. Criteria: Invitae Variant Classification Sherloc (09022015). Collection method: clinical testing. Allele origin: germline.
Comment: This sequence change replaces leucine, which is neutral and non-polar, with methionine, which is neutral and non-polar, at codon 7 of the MSH6 protein (p.Leu7Met). This variant is not present in population databases (gnomAD no frequency). This variant has not been reported in the literature in individuals affected with MSH6-related conditions. ClinVar contains an entry for this variant (Variation ID: 421374). Invitae Evidence Modeling of protein sequence and biophysical properties (such as structural, functional, and spatial information, amino acid conservation, physicochemical variation, residue mobility, and thermodynamic stability) indicates that this missense variant is not expected to disrupt MSH6 protein function with a negative predictive value of 95%. In summary, the available evidence is currently insufficient to determine the role of this variant in disease. Therefore, it has been classified as a Variant of Uncertain Significance.

Ambry Genetics
Classification: Uncertain significance for Hereditary cancer-predisposing syndrome. Last evaluated: 2025-03-20. Review status: criteria provided, single submitter. Criteria: Ambry Variant Classification Scheme 2023. Collection method: clinical testing. Allele origin: germline.
Comment: The p.L7M variant (also known as c.19C>A), located in coding exon 1 of the MSH6 gene, results from a C to A substitution at nucleotide position 19. The leucine at codon 7 is replaced by methionine, an amino acid with highly similar properties. This amino acid position is highly conserved in available vertebrate species. In addition, the in silico prediction for this alteration is inconclusive. Since supporting evidence is limited at this time, the clinical significance of this alteration remains unclear.

All of Us Research Program, National Institutes of Health
Classification: Uncertain significance for Lynch syndrome. Last evaluated: 2024-08-06. Review status: criteria provided, single submitter. Criteria: ACMG Guidelines, 2015. Collection method: clinical testing. Allele origin: germline. Inheritance: Autosomal dominant inheritance. Observed: 2 variant alleles, 2 heterozygotes.
Comment: This missense variant replaces leucine with methionine at codon 7 of the MSH6 protein. Computational prediction suggests that this variant may not impact protein structure and function (internally defined REVEL score threshold <= 0.5, PMID: 27666373). To our knowledge, functional studies have not been reported for this variant. This variant has not been reported in individuals affected with MSH6-related disorders in the literature. This variant has not been identified in the general population by the Genome Aggregation Database (gnomAD). The available evidence is insufficient to determine the role of this variant in disease conclusively. Therefore, this variant is classified as a Variant of Uncertain Significance.

This study involves interpretation of variants in research participants for the purpose of population health screening. Participant phenotype was not available at the time of variant classification. Additional details can be found in publication PMID: 35346344, PMCID: PMC8962531

GeneDx
Classification: Uncertain significance. Last evaluated: 2023-09-27. Review status: criteria provided, single submitter. Criteria: GeneDx Variant Classification Process June 2021. Collection method: clinical testing. Allele origin: germline. Affected: yes.
Comment: Not observed at significant frequency in large population cohorts (gnomAD); In silico analysis supports that this missense variant does not alter protein structure/function; Has not been previously published as pathogenic or benign to our knowledge; This variant is associated with the following publications: (PMID: 25326804, 12019211, 21120944)

Color Diagnostics, LLC DBA Color Health
Classification: Uncertain significance for Hereditary cancer-predisposing syndrome. Last evaluated: 2023-09-21. Review status: criteria provided, single submitter. Criteria: ACMG Guidelines, 2015. Collection method: clinical testing. Allele origin: germline.
Comment: This missense variant replaces leucine with methionine at codon 7 of the MSH6 protein. Computational prediction suggests that this variant may not impact protein structure and function (internally defined REVEL score threshold <= 0.5, PMID: 27666373). To our knowledge, functional studies have not been reported for this variant. This variant has not been reported in individuals affected with MSH6-related disorders in the literature. This variant has not been identified in the general population by the Genome Aggregation Database (gnomAD). The available evidence is insufficient to determine the role of this variant in disease conclusively. Therefore, this variant is classified as a Variant of Uncertain Significance.

Baylor Genetics
Classification: Uncertain significance for Endometrial carcinoma. Last evaluated: 2023-09-03. Review status: criteria provided, single submitter. Criteria: ACMG Guidelines, 2015. Collection method: clinical testing. Allele origin: unknown.

Genetic Services Laboratory, University of Chicago
Classification: Uncertain significance. Last evaluated: 2019-11-18. Review status: criteria provided, single submitter. Criteria: ACMG Guidelines, 2015. Collection method: clinical testing. Allele origin: germline. Affected: no.

Women's Health and Genetics/Laboratory Corporation of America, LabCorp
Classification: Uncertain significance. Last evaluated: 2019-10-24. Review status: criteria provided, single submitter. Criteria: LabCorp Variant Classification Summary - May 2015. Collection method: clinical testing. Allele origin: germline.
Comment: Variant summary: MSH6 c.19C>A (p.Leu7Met) results in a conservative amino acid change located in the PCNA-binding motif (Kariola 2002) of the encoded protein sequence. Three of five in-silico tools predict a damaging effect of the variant on protein function. The variant was absent in 245242 control chromosomes (gnomAD). The available data on variant occurrences in the general population are insufficient to allow any conclusion about variant significance. To our knowledge, no occurrence of c.19C>A in individuals affected with Lynch Syndrome and no experimental evidence demonstrating its impact on protein function have been reported. Three ClinVar submitters (evaluation after 2014) cite the variant as uncertain significance. Based on the evidence outlined above, the variant was classified as uncertain significance.

PreventionGenetics, part of Exact Sciences
Classification: Uncertain significance. Last evaluated: 2017-02-17. Review status: criteria provided, single submitter. Criteria: ACMG Guidelines, 2015. Collection method: clinical testing. Allele origin: germline.

NM_000179.3(MSH6):c.19C>A (p.Leu7Met)

Gene: MSH6 (mutS homolog 6; plus strand). Cytogenetic location: 2p16.3.
Variant type: single nucleotide variant.
Coding change: c.19C>A on transcript NM_000179.3 (MANE Select); coding-DNA position 19, C replaced by A.
Protein change: p.Leu7Met; replaces leucine 7 with methionine.
Molecular consequence: missense variant. On other transcripts: 5 prime UTR variant (1).
Genome position (GRCh38, 1-based): chr2:47,783,252, C>A. VCF-style: chr2-47783252-C-A. GRCh37 (hg19) VCF-style: chr2-48010391-C-A.
Other names: c.19C>A, p.Leu7Met (NM_001281492.2); c.-718C>A (NM_001281493.2); short protein forms L7M.
Identifiers: ClinVar variation 421374 (VCV000421374.29), dbSNP rs1064795094, ClinGen allele CA16617615.
Genomic context (GRCh38, chr2:47,783,252, plus strand): 5'-AGCTCCGTCCGACAGAACGGTTGGGCCTTGCCGGCTGTCGGTATGTCGCGACAGAGCACC[C>A]TGTACAGCTTCTTCCCCAAGTCTCCGGCGCTGAGTGATGCCAACAAGGCCTCGGCCAGGG-3'
Protein context (NP_000170.1, residues 1-17): MSRQST[Leu7Met]YSFFPKSPAL